The following is an entry in ClinVar:

GRCh38/hg38 17q12(chr17:36486532-37745203)x1

Genes: AATF (apoptosis antagonizing transcription factor; plus strand), ACACA (acetyl-CoA carboxylase alpha; minus strand), C17orf78 (chromosome 17 open reading frame 78; plus strand), DDX52 (DExD-box helicase 52; minus strand), DHRS11 (dehydrogenase/reductase 11; plus strand) and 29 more. Cytogenetic location: 17q12.
Variant type: copy number loss.
Change: copy number 1 (one copy instead of two) of chr17:36,486,532-37,745,203 (1.26 Mb, GRCh38 coordinates, 1-based), cytogenetic band 17q12.
Identifiers: ClinVar variation 2579204 (VCV002579204.1).

ClinVar aggregate classification (germline): Pathogenic (1 of 4 stars; one submission).

Conditions:
Chromosome 17q12 deletion syndrome. Identifiers: Orphanet 261265, MedGen C3281138, MONDO:0013797, OMIM 614527.

Submission:

Broad Center for Mendelian Genomics, Broad Institute of MIT and Harvard
Classification: Pathogenic for Chromosome 17q12 deletion syndrome. Last evaluated: 2023-08-24. Review status: criteria provided, single submitter. Criteria: ACMG/ClinGen CNV Guidelines, 2019. Collection method: research. Allele origin: de novo. Inheritance: Autosomal dominant inheritance. Affected: yes.
Comment: A heterozygous deletion of 14 genes was identified by exome sequencing in two unrelated individuals with chromosome 17q12 deletion syndrome ([GRCh 38] chr17:36486532_37745203x1). These breakpoints have been estimated by exome sequencing only and therefore may not reflect the true breakpoints. The patient phenotypes are nonspecific, but are consistent with cases described in the literature and/or published databases with overlapping variants. A deletion with similar genetic overlap has been reported in ClinVar (Variation ID: 160874) and has been interpreted as likely pathogenic by ISCA site 4 and ISCA site 17. There is partial overlap with the 3’ end of the HNF1B gene, including coding sequence. The HNF1B gene is known to be haploinsufficient, and has been assessed by the ClinGen Dosage Sensitivity Working Group. A slightly larger deletion has been identified in 0.03% (3/9482) of African/African American chromosomes by the Genome Aggregation Database (gnomAD; Structural variant: DEL_17_159960). Although a deletion overlapping the region of this CNV has been seen in the general population in a heterozygous state, its frequency is not high enough to rule out a pathogenic role. In summary, this variant meets criteria to be classified as pathogenic for autosomal dominant chromosome 17q12 deletion syndrome. The ACMG/ClinGen evidence codes and points used in this curation are as follows: 1: 0 points, 2: 1 points, 3: 0 points, 4-5: 0.25 points Total: 1.25 points; Riggs 2020 (PMID: 31690835).